The following is an entry in ClinVar:

NM_203285.2(NECTIN1):c.1053G>C (p.Ala351=)

Gene: NECTIN1 (nectin cell adhesion molecule 1; minus strand). Cytogenetic location: 11q23.3.
Variant type: single nucleotide variant.
Coding change: c.1053G>C on transcript NM_203285.2; coding-DNA position 1053, G replaced by C.
Protein change: p.Ala351=; no amino-acid change (alanine 351 retained).
Molecular consequence: synonymous variant.
Genome position (GRCh38, 1-based): chr11:119,639,963, C>G on the plus strand (G>C on the coding strand, the complement: NECTIN1 is on the minus strand). VCF-style: chr11-119639963-C-G. GRCh37 (hg19) VCF-style: chr11-119510673-C-G.
Identifiers: ClinVar variation 3045303 (VCV003045303.2), dbSNP rs141063530, ClinGen allele CA6321732.
Genomic context (GRCh38, chr11:119,639,963, plus strand): 5'-GTTGTACAGGAAGAAGACAGTGAGCACAGCAACTAGGATGAGGAACACGGCCACGGTGCC[C>G]GCCAGGAGCCTGGCTGCACTTCCCAGACCCCTCTGGGGGCGGGGCTTTTCTGGAAACAAA-3'

ClinVar aggregate classification (germline): Likely benign (0 of 4 stars; one submission).

Conditions:
NECTIN1-related disorder. Also called: NECTIN1-related condition.

Allele frequency attached by ClinVar (database versions not stated): ESP Exome Variant Server 0.00015; 1000 Genomes Project 0.00020; 1000 Genomes Project 30x 0.00016.
gnomAD v4.1: 640 of 1,613,994 alleles (0.04%); highest among the groups gnomAD compares: Non-Finnish European, 0.052%; 1 homozygote.

Submission:

PreventionGenetics, part of Exact Sciences
Classification: Likely benign for NECTIN1-related condition. Last evaluated: 2019-10-28. Review status: no assertion criteria provided. Collection method: clinical testing. Allele origin: germline.
Comment: This variant is classified as likely benign based on ACMG/AMP sequence variant interpretation guidelines (Richards et al. 2015 PMID: 25741868, with internal and published modifications).